The following is an entry in ClinVar:

ClinVar aggregate classification (germline): Likely pathogenic (0 of 4 stars; one submission).

Conditions:
Congenital myasthenic syndrome 5. Identifiers: Orphanet 590, MedGen C1864233, MONDO:0011281, OMIM 603034.

Submission:

Solve-RD Consortium
Classification: Likely pathogenic for Congenital myasthenic syndrome 5. Last evaluated: 2024-06-01. Review status: no assertion criteria provided. Collection method: provider interpretation. Allele origin: germline. Affected: yes.
Comment: This CNV was confirmed by the submitting clinician to impact a gene that corresponds with the phenotype of the affected individual, and thus deemed to be causative for their condition.

Literature cited by the submitters: PubMed 39825153.

GRCh37/hg19 3p25.1(chr3:15529661-15531195)x0

Gene: COLQ (collagen like tail subunit of asymmetric acetylcholinesterase; minus strand). Cytogenetic location: 3p25.1.
Variant type: copy number loss.
Change: copy number 0 (both copies lost) of chr3:15,529,661-15,531,195 (1.5 kb, GRCh37 coordinates, 1-based), cytogenetic band 3p25.1.
Identifiers: ClinVar variation 3338446 (VCV003338446.1).